The following is an entry in ClinVar:

NM_052867.4(NALCN):c.3057+4T>C

Gene: NALCN (sodium leak channel, non-selective; minus strand). Cytogenetic location: 13q33.1.
Variant type: single nucleotide variant.
Coding change: c.3057+4T>C on transcript NM_052867.4 (MANE Select); 4 bases into the intron after coding-DNA position 3057, T replaced by C.
Molecular consequence: intron variant.
Genome position (GRCh38, 1-based): chr13:101,103,168, A>G on the plus strand (T>C on the coding strand, the complement: NALCN is on the minus strand). VCF-style: chr13-101103168-A-G. GRCh37 (hg19) VCF-style: chr13-101755519-A-G.
Other names: c.2970+4T>C (NM_001350751.2, NM_001350750.2); c.3057+4T>C (NM_001350749.2); c.3144+4T>C (NM_001350748.2).
Identifiers: ClinVar variation 1939557 (VCV001939557.5), dbSNP rs2502140083, ClinGen allele CA2580087011.
Genomic context (GRCh38, chr13:101,103,168, plus strand): 5'-CCCTCATTAGCTGCATTAGAGGTGGACTACTGTGAACTGGAATCAAAGGATAATTCTCAC[A>G]TACCAAAAAAATTTCCTTGAAGCCGCTGAAAAGTTCTCGAACAACTTTCCTCATCTGGGG-3'

ClinVar aggregate classification (germline): Uncertain significance (1 of 4 stars; one submission).

Allele frequency attached by ClinVar (database versions not stated): gnomAD exomes below 0.00001.
gnomAD v4.1: 2 of 1,611,860 alleles (0.00012%); highest among the groups gnomAD compares: South Asian, 0.0011%; no homozygotes.

Submission:

Labcorp Genetics (formerly Invitae), Labcorp
Classification: Uncertain significance. Last evaluated: 2022-10-10. Review status: criteria provided, single submitter. Criteria: Invitae Variant Classification Sherloc (09022015). Collection method: clinical testing. Allele origin: germline.
Comment: In summary, the available evidence is currently insufficient to determine the role of this variant in disease. Therefore, it has been classified as a Variant of Uncertain Significance. Variants that disrupt the consensus splice site are a relatively common cause of aberrant splicing (PMID: 17576681, 9536098). Algorithms developed to predict the effect of sequence changes on RNA splicing suggest that this variant is not likely to affect RNA splicing. This variant is not present in population databases (gnomAD no frequency). This variant has not been reported in the literature in individuals affected with NALCN-related conditions. This sequence change falls in intron 26 of the NALCN gene. It does not directly change the encoded amino acid sequence of the NALCN protein. It affects a nucleotide within the consensus splice site.

Literature cited by the submitters: PubMed 17576681; PubMed 9536098.